The following is an entry in ClinVar:

NM_000334.4(SCN4A):c.3103A>G (p.Thr1035Ala)

Genes: GH-LCR (growth hormone locus control region; plus strand), SCN4A (sodium voltage-gated channel alpha subunit 4; minus strand). Cytogenetic location: 17q23.3.
Variant type: single nucleotide variant.
Coding change: c.3103A>G on transcript NM_000334.4 (MANE Select); coding-DNA position 3103, A replaced by G.
Protein change: p.Thr1035Ala; replaces threonine 1035 with alanine.
Molecular consequence: missense variant.
Genome position (GRCh38, 1-based): chr17:63,948,652, T>C on the plus strand (A>G on the coding strand, the complement: SCN4A is on the minus strand). VCF-style: chr17-63948652-T-C. GRCh37 (hg19) VCF-style: chr17-62026012-T-C.
Other names: short protein forms T1035A.
Identifiers: ClinVar variation 5020700 (VCV005020700.1).

ClinVar aggregate classification (germline): Uncertain significance (1 of 4 stars; one submission).

Submission:

Dasa
Classification: Uncertain significance. Last evaluated: 2026-08-04. Review status: criteria provided, single submitter. Criteria: DASA Assertion Criteria. Collection method: clinical testing. Allele origin: germline.
Comment: NM_000334.4(SCN4A):c.3103A>G (p.Thr1035Ala) is a missense variant that results in the substitution of threonine with alanine. This variant is rare in population databases. Computational prediction algorithms are consistent with a deleterious effect. The currently available literature and clinical evidence are not sufficient to establish a definitive association between this variant and the reported condition. Therefore, this variant is classified as a variant of uncertain significance.